The following is an entry in ClinVar:

ClinVar aggregate classification (germline): Uncertain significance (1 of 4 stars; one submission).

Conditions:
Menkes kinky-hair syndrome (MNK). Also called: Copper transport disease; Menkes Disease; Classic Menkes Disease. Identifiers: Orphanet 565, MedGen C0022716, MONDO:0010651, OMIM 309400.
Cutis laxa, X-linked (OHS). Also called: EDS IX; Occipital horn syndrome. Identifiers: Orphanet 198, MedGen C0268353, MONDO:0010572, OMIM 304150.
X-linked distal spinal muscular atrophy type 3. Also called: SPINAL MUSCULAR ATROPHY, DISTAL, X-LINKED RECESSIVE; NEURONOPATHY, DISTAL HEREDITARY MOTOR, X-LINKED; NEUROPATHY, DISTAL HEREDITARY MOTOR, X-LINKED; ATP7A-Related Distal Motor Neuropathy. Identifiers: Orphanet 139557, MedGen C1845359, MONDO:0010338, OMIM 300489.

gnomAD v4.1: 3 of 1,210,158 alleles (0.00025%); highest among the groups gnomAD compares: Non-Finnish European, 0.00034%; no homozygotes.

Submission:

Labcorp Genetics (formerly Invitae), Labcorp
Classification: Uncertain significance for X-linked distal spinal muscular atrophy type 3; Cutis laxa, X-linked; Menkes kinky-hair syndrome. Last evaluated: 2023-07-17. Review status: criteria provided, single submitter. Criteria: Invitae Variant Classification Sherloc (09022015). Collection method: clinical testing. Allele origin: germline.
Comment: This sequence change replaces alanine, which is neutral and non-polar, with valine, which is neutral and non-polar, at codon 413 of the ATP7A protein (p.Ala413Val). In summary, the available evidence is currently insufficient to determine the role of this variant in disease. Therefore, it has been classified as a Variant of Uncertain Significance. Advanced modeling of protein sequence and biophysical properties (such as structural, functional, and spatial information, amino acid conservation, physicochemical variation, residue mobility, and thermodynamic stability) performed at Invitae indicates that this missense variant is not expected to disrupt ATP7A protein function. ClinVar contains an entry for this variant (Variation ID: 2169423). This variant has not been reported in the literature in individuals affected with ATP7A-related conditions. This variant is not present in population databases (gnomAD no frequency).

NM_000052.7(ATP7A):c.1238C>T (p.Ala413Val)

Gene: ATP7A (ATPase copper transporting alpha; plus strand). Cytogenetic location: Xq21.1.
Variant type: single nucleotide variant.
Coding change: c.1238C>T on transcript NM_000052.7 (MANE Select); coding-DNA position 1238, C replaced by T.
Protein change: p.Ala413Val; replaces alanine 413 with valine.
Molecular consequence: missense variant.
Genome position (GRCh38, 1-based): chrX:77,989,860, C>T. VCF-style: chrX-77989860-C-T. GRCh37 (hg19) VCF-style: chrX-77245356-C-T.
Other names: c.1238C>T, p.Ala413Val (NM_001282224.2); short protein forms A413V.
Identifiers: ClinVar variation 2169423 (VCV002169423.4), dbSNP rs2077659809, ClinGen allele CA413602111.
Genomic context (GRCh38, chrX:77,989,860, plus strand): 5'-AGTCTATTGAGGGTGTCATATCAAAAAAGCCAGGTGTAAAATCCATACGAGTCTCCCTTG[C>T]AAATAGCAATGGGACTGTTGAGTATGATCCTCTACTAACCTCTCCAGAAACGTTGAGAGG-3'
Protein context (NP_000043.4, residues 403-423): PGVKSIRVSL[Ala413Val]NSNGTVEYDP